The following is an entry in ClinVar:

NM_006431.3(CCT2):c.751-1G>C

Gene: CCT2 (chaperonin containing TCP1 subunit 2; plus strand). Cytogenetic location: 12q15.
Variant type: single nucleotide variant.
Coding change: c.751-1G>C on transcript NM_006431.3 (MANE Select); the canonical splice acceptor site of the intron before coding-DNA position 751, G replaced by C.
Molecular consequence: splice acceptor variant.
Genome position (GRCh38, 1-based): chr12:69,592,975, G>C. VCF-style: chr12-69592975-G-C. GRCh37 (hg19) VCF-style: chr12-69986755-G-C.
Other names: c.610-1G>C (NM_001198842.2).
Identifiers: ClinVar variation 1421541 (VCV001421541.6), dbSNP rs2135854755, ClinGen allele CA385728224.

ClinVar aggregate classification (germline): Uncertain significance (1 of 4 stars; one submission).

Submission:

Labcorp Genetics (formerly Invitae), Labcorp
Classification: Uncertain significance. Last evaluated: 2022-07-26. Review status: criteria provided, single submitter. Criteria: Invitae Variant Classification Sherloc (09022015). Collection method: clinical testing. Allele origin: germline.
Comment: This variant has not been reported in the literature in individuals affected with CCT2-related conditions. This variant is not present in population databases (gnomAD no frequency). This sequence change affects an acceptor splice site in intron 8 of the CCT2 gene. It is expected to disrupt RNA splicing. Variants that disrupt the donor or acceptor splice site typically lead to a loss of protein function (PMID: 16199547), however the current clinical and genetic evidence is not sufficient to establish whether loss-of-function variants in CCT2 cause disease. ClinVar contains an entry for this variant (Variation ID: 1421541). In summary, the available evidence is currently insufficient to determine the role of this variant in disease. Therefore, it has been classified as a Variant of Uncertain Significance. Algorithms developed to predict the effect of sequence changes on RNA splicing suggest that this variant may disrupt the consensus splice site.

Literature cited by the submitters: PubMed 16199547.